The following is an entry in ClinVar:

NM_032634.4(PIGO):c.2934T>G (p.Asn978Lys)

Gene: PIGO (phosphatidylinositol glycan anchor biosynthesis class O; minus strand). Cytogenetic location: 9p13.3.
Variant type: single nucleotide variant.
Coding change: c.2934T>G on transcript NM_032634.4 (MANE Select); coding-DNA position 2934, T replaced by G.
Protein change: p.Asn978Lys; replaces asparagine 978 with lysine.
Molecular consequence: missense variant.
Genome position (GRCh38, 1-based): chr9:35,090,201, A>C on the plus strand (T>G on the coding strand, the complement: PIGO is on the minus strand). VCF-style: chr9-35090201-A-C. GRCh37 (hg19) VCF-style: chr9-35090198-A-C.
Other names: c.1683T>G, p.Asn561Lys (NM_001201484.2, NM_152850.4); short protein forms N561K, N978K.
Identifiers: ClinVar variation 1378747 (VCV001378747.6), dbSNP rs780217709, ClinGen allele CA373317861.

ClinVar aggregate classification (germline): Uncertain significance (1 of 4 stars; one submission).

Conditions:
Hyperphosphatasia with impaired intellectual development syndrome 2. Also called: Hyperphosphatasia with intellectual disability syndrome 2; GLYCOSYLPHOSPHATIDYLINOSITOL BIOSYNTHESIS DEFECT 6. Identifiers: Orphanet 247262, MedGen C3553637, MONDO:0013882, OMIM 614749.

Submission:

Labcorp Genetics (formerly Invitae), Labcorp
Classification: Uncertain significance for Hyperphosphatasia with impaired intellectual development syndrome 2. Last evaluated: 2022-04-30. Review status: criteria provided, single submitter. Criteria: Invitae Variant Classification Sherloc (09022015). Collection method: clinical testing. Allele origin: germline.
Comment: This variant has not been reported in the literature in individuals affected with PIGO-related conditions. Algorithms developed to predict the effect of missense changes on protein structure and function (SIFT, PolyPhen-2, Align-GVGD) all suggest that this variant is likely to be tolerated. In summary, the available evidence is currently insufficient to determine the role of this variant in disease. Therefore, it has been classified as a Variant of Uncertain Significance. This variant is not present in population databases (gnomAD no frequency). This sequence change replaces asparagine, which is neutral and polar, with lysine, which is basic and polar, at codon 978 of the PIGO protein (p.Asn978Lys).